The following is an entry in ClinVar:

ClinVar aggregate classification (germline): Benign (1 of 4 stars; one submission).

Submission:

GeneDx
Classification: Benign. Last evaluated: 2018-06-18. Review status: criteria provided, single submitter. Criteria: GeneDx Variant Classification (06012015). Collection method: clinical testing. Allele origin: germline. Affected: yes.
Comment: This variant is considered likely benign or benign based on one or more of the following criteria: it is a conservative change, it occurs at a poorly conserved position in the protein, it is predicted to be benign by multiple in silico algorithms, and/or has population frequency not consistent with disease.

NM_058246.4(DNAJB6):c.620+249_620+256del

Gene: DNAJB6 (DnaJ heat shock protein family (Hsp40) member B6; plus strand). Cytogenetic location: 7q36.3.
Variant type: Microsatellite.
Coding change: c.620+249_620+256del on transcript NM_058246.4 (MANE Select); bases 249 to 256 of the intron after coding-DNA position 620, 8 bases deleted (TAAAATGG; older notation c.620+249_620+256delTAAAATGG).
Molecular consequence: intron variant.
Genome position (GRCh38, 1-based): chr7:157,385,257-157,385,264, TAAAATGG deleted; deleting any 8 consecutive bases within chr7:157,385,249-157,385,264 gives the same sequence; the c. name uses the placement nearest the transcript's 3' end. VCF-style (leftmost placement, unchanged base first): chr7-157385248-TTAAAATGG-T. GRCh37 (hg19) VCF-style: chr7-157177942-TTAAAATGG-T.
Other names: c.346+17774_346+17781del (NM_001363676.1); c.620+249_620+256del (NM_005494.3).
Identifiers: ClinVar variation 679294 (VCV000679294.1), dbSNP rs112549325, ClinGen allele CA169880329.
Genomic context (GRCh38, chr7:157,385,248, plus strand): 5'-TGTTGAATTATTAGAGGGAATCTTTAATGTAATACAGTGTAATAAGTTTCTGCAGCATTG[TTAAAATGG>T]TAAAATGGAAAATCATTAATAGTAAAGCCTTTACTGTTTTATAGCCTCTGCATGTATTTA-3'